The following is an entry in ClinVar:

ClinVar aggregate classification (germline): Uncertain significance (1 of 4 stars; one submission).

Conditions:
RASopathy. Also called: rasopathies; Noonan spectrum disorder. Identifiers: Orphanet 536391, MedGen C5555857, MONDO:0021060.

Submission:

Labcorp Genetics (formerly Invitae), Labcorp
Classification: Uncertain significance for RASopathy. Last evaluated: 2025-12-02. Review status: criteria provided, single submitter. Criteria: Invitae Variant Classification Sherloc (09022015). Collection method: clinical testing. Allele origin: germline.
Comment: This sequence change replaces glutamine, which is neutral and polar, with leucine, which is neutral and non-polar, at codon 269 of the SHOC2 protein (p.Gln269Leu). This variant is not present in population databases (gnomAD no frequency). This variant has not been reported in the literature in individuals affected with SHOC2-related conditions. Invitae Evidence Modeling of protein sequence and biophysical properties (such as structural, functional, and spatial information, amino acid conservation, physicochemical variation, residue mobility, and thermodynamic stability) has been performed for this missense variant. However, the output from this modeling did not meet the statistical confidence thresholds required to predict the impact of this variant on SHOC2 protein function. This variant disrupts the p.Gln269 amino acid residue in SHOC2. Other variant(s) that disrupt this residue have been determined to be pathogenic (PMID: 35348676). This suggests that this residue is clinically significant, and that variants that disrupt this residue are likely to be disease-causing. In summary, the available evidence is currently insufficient to determine the role of this variant in disease. Therefore, it has been classified as a Variant of Uncertain Significance.

Literature cited by the submitters: PubMed 35348676.

NM_007373.4(SHOC2):c.806A>T (p.Gln269Leu)

Gene: SHOC2 (SHOC2 leucine rich repeat scaffold protein; plus strand). Cytogenetic location: 10q25.2.
Variant type: single nucleotide variant.
Coding change: c.806A>T on transcript NM_007373.4 (MANE Select); coding-DNA position 806, A replaced by T.
Protein change: p.Gln269Leu; replaces glutamine 269 with leucine.
Molecular consequence: missense variant. On other transcripts: 5 prime UTR variant (2), non-coding transcript variant (1), intron variant (3).
Genome position (GRCh38, 1-based): chr10:110,985,730, A>T. VCF-style: chr10-110985730-A-T. GRCh37 (hg19) VCF-style: chr10-112745488-A-T.
Other names: c.806A>T, p.Gln269Leu (NM_001324336.2, NM_001324337.2, NM_001441184.1 and 2 more transcripts); c.137A>T, p.Gln46Leu (NM_001441188.1); c.-278A>T (NM_001441190.1); c.-147A>T (NM_001441191.1); c.704-14685A>T (NM_001441186.1, NM_001269039.3); c.-242-14685A>T (NM_001441189.1); short protein forms Q46L, Q269L.
Identifiers: ClinVar variation 4740319 (VCV004740319.1).
Genomic context (GRCh38, chr10:110,985,730, plus strand): 5'-AACTTGAACACCTTCCAAAGGAGATTGGAAACTGTACACAGATAACCAACCTTGACTTGC[A>T]GCACAATGAACTGCTAGACCTCCCAGATACTATAGGTATGAGAGGAGAAAGGAGATATTG-3'
Protein context (NP_031399.2, residues 259-279): NCTQITNLDL[Gln269Leu]HNELLDLPDT